The following is an entry in ClinVar:

NM_020320.5(RARS2):c.1231A>G (p.Ile411Val)

Gene: RARS2 (arginyl-tRNA synthetase 2, mitochondrial; minus strand). Cytogenetic location: 6q15.
Variant type: single nucleotide variant.
Coding change: c.1231A>G on transcript NM_020320.5 (MANE Select); coding-DNA position 1231, A replaced by G.
Protein change: p.Ile411Val; replaces isoleucine 411 with valine.
Molecular consequence: missense variant. On other transcripts: non-coding transcript variant (23).
Genome position (GRCh38, 1-based): chr6:87,519,589, T>C on the plus strand (A>G on the coding strand, the complement: RARS2 is on the minus strand). VCF-style: chr6-87519589-T-C. GRCh37 (hg19) VCF-style: chr6-88229307-T-C.
Other names: c.706A>G, p.Ile236Val (NM_001318785.2, NM_001350506.2, NM_001350507.2 and 4 more transcripts); c.1231A>G, p.Ile411Val (NM_001350505.2); short protein forms I411V, I236V.
Identifiers: ClinVar variation 2141480 (VCV002141480.4), dbSNP rs1381912445, ClinGen allele CA364923681.

ClinVar aggregate classification (germline): Uncertain significance (1 of 4 stars; one submission).

Allele frequency attached by ClinVar (database versions not stated): TOPMed below 0.00001.
gnomAD v4.1: 5 of 1,612,238 alleles (0.00031%); highest among the groups gnomAD compares: Non-Finnish European, 0.00034%; no homozygotes.

Submission:

Labcorp Genetics (formerly Invitae), Labcorp
Classification: Uncertain significance. Last evaluated: 2022-07-06. Review status: criteria provided, single submitter. Criteria: Invitae Variant Classification Sherloc (09022015). Collection method: clinical testing. Allele origin: germline.
Comment: In summary, the available evidence is currently insufficient to determine the role of this variant in disease. Therefore, it has been classified as a Variant of Uncertain Significance. Algorithms developed to predict the effect of sequence changes on RNA splicing suggest that this variant may disrupt the consensus splice site. Advanced modeling of protein sequence and biophysical properties (such as structural, functional, and spatial information, amino acid conservation, physicochemical variation, residue mobility, and thermodynamic stability) performed at Invitae indicates that this missense variant is not expected to disrupt RARS2 protein function. This variant has not been reported in the literature in individuals affected with RARS2-related conditions. This variant is not present in population databases (gnomAD no frequency). This sequence change replaces isoleucine, which is neutral and non-polar, with valine, which is neutral and non-polar, at codon 411 of the RARS2 protein (p.Ile411Val).